The following is an entry in ClinVar:

NM_001126108.2(SLC12A3):c.2815del (p.Trp939fs)

Gene: SLC12A3 (solute carrier family 12 member 3; plus strand). Cytogenetic location: 16q13.
Variant type: Deletion.
Coding change: c.2815del on transcript NM_001126108.2 (MANE Select); coding-DNA position 2815, one base deleted (T; older notation c.2815delT).
Protein change: p.Trp939fs; shifts the reading frame from tryptophan 939.
Molecular consequence: frameshift variant.
Genome position (GRCh38, 1-based): chr16:56,902,467, T deleted. VCF-style (leftmost placement, unchanged base first): chr16-56902466-CT-C. GRCh37 (hg19) VCF-style: chr16-56936378-CT-C.
Other names: c.2842del, p.Trp948fs (NM_000339.3); c.2839del, p.Trp947fs (NM_001126107.2); c.2842del (NM_000339.2); short protein forms W948fs, W939fs, W947fs.
Identifiers: ClinVar variation 1459122 (VCV001459122.10), dbSNP rs2144767026, ClinGen allele CA2573152457.
Genomic context (GRCh38, chr16:56,902,466, plus strand): 5'-CCGTCTGAATGATGGCTTCAAGGATGAGGCCACTGTCAACGAGATGCGGCGGGACTGCCC[CT>C]GGAAGATCTCAGATGAGGAGATTACGAAGAACAGAGTCAAGGTGCAGAGAGGGGTGGGGG-3'

ClinVar aggregate classification (germline): Pathogenic/Likely pathogenic. Review status: criteria provided, multiple submitters, no conflicts (2 of 4 stars). 3 submissions from 3 submitters: Pathogenic (2); Likely pathogenic (1). Last evaluated 2025-12-29.

Conditions:
Familial hypokalemia-hypomagnesemia (GTLMNS). Also called: HYPOMAGNESEMIA-HYPOKALEMIA, PRIMARY RENOTUBULAR, WITH HYPOCALCIURIA; POTASSIUM AND MAGNESIUM DEPLETION; gitelman syndrome. Identifiers: Orphanet 358, MedGen C0268450, MONDO:0009904, OMIM 263800.

Submissions (3):

Natera, Inc.
Classification: Pathogenic for Gitelman syndrome. Last evaluated: 2025-12-29. Review status: criteria provided, single submitter. Criteria: Natera Variant Classification Schema (03/2026). Collection method: clinical testing. Allele origin: germline.
Comment: The c.2842del variant in SLC12A3 is a frameshift variant predicted to shift the reading frame beginning at codon 948 and leads to a stop codon 19 codons downstream. This variant is expected to result in nonsense mediated decay, truncation, or a dysfunctional protein product. This variant is rare in the general population with a frequency below the threshold expected for the associated phenotype(s). This variant has been observed in one or more individuals affected with the associated recessive disease, as either homozygous or compound heterozygous with a second variant (PMID: 18391953). Given the available evidence, this variant is classified as Pathogenic.

Fulgent Genetics
Classification: Likely pathogenic for Familial hypokalemia-hypomagnesemia. Last evaluated: 2024-05-29. Review status: criteria provided, single submitter. Criteria: ACMG Guidelines, 2015. Collection method: clinical testing. Allele origin: germline.

Labcorp Genetics (formerly Invitae), Labcorp
Classification: Pathogenic. Last evaluated: 2023-02-01. Review status: criteria provided, single submitter. Criteria: Invitae Variant Classification Sherloc (09022015). Collection method: clinical testing. Allele origin: germline.
Comment: This sequence change creates a premature translational stop signal (p.Trp948Glyfs*19) in the SLC12A3 gene. It is expected to result in an absent or disrupted protein product. Loss-of-function variants in SLC12A3 are known to be pathogenic (PMID: 20848653, 22009145, 25841442). For these reasons, this variant has been classified as Pathogenic. ClinVar contains an entry for this variant (Variation ID: 1459122). This premature translational stop signal has been observed in individuals with Gitelman syndrome (PMID: 18391953, 31808035). This variant is not present in population databases (gnomAD no frequency).

Literature cited by the submitters: PubMed 18391953 (cited by Natera, Inc. and Labcorp Genetics (formerly Invitae), Labcorp); PubMed 20848653 (cited by Labcorp Genetics (formerly Invitae), Labcorp); PubMed 22009145 (cited by Labcorp Genetics (formerly Invitae), Labcorp); PubMed 25841442 (cited by Labcorp Genetics (formerly Invitae), Labcorp); PubMed 31808035 (cited by Labcorp Genetics (formerly Invitae), Labcorp).